The following is an entry in ClinVar:

NM_000169.3(GLA):c.707G>T (p.Trp236Leu)

Genes: GLA (galactosidase alpha; minus strand), RPL36A-HNRNPH2 (RPL36A-HNRNPH2 readthrough; plus strand). Cytogenetic location: Xq22.1.
Variant type: single nucleotide variant.
Coding change: c.707G>T on transcript NM_000169.3 (MANE Select); coding-DNA position 707, G replaced by T.
Protein change: p.Trp236Leu; replaces tryptophan 236 with leucine.
Molecular consequence: missense variant. On other transcripts: non-coding transcript variant (3), intron variant (2).
Genome position (GRCh38, 1-based): chrX:101,398,879, C>A on the plus strand (G>T on the coding strand, the complement: GLA is on the minus strand). VCF-style: chrX-101398879-C-A. GRCh37 (hg19) VCF-style: chrX-100653867-C-A.
Other names: c.830G>T, p.Trp277Leu (NM_001406747.1); c.707G>T, p.Trp236Leu (NM_001406748.1); c.300+3422C>A (NM_001199973.2); c.177+7057C>A (NM_001199974.2); short protein forms W236L, W277L.
Identifiers: ClinVar variation 4087476 (VCV004087476.2).
Genomic context (GRCh38, chrX:101,398,879, plus strand): 5'-ACATCAACAATTCTCTCCTGGTTAAAAGATGTCCAGTCCAAGATACTCTTTATACTTTTC[C>A]AGGAATCATCAATGTCAGCAAAATTTCGCCAGTGATTGCAGTACTGTCGGATTTCTGTAT-3'
Protein context (NP_000160.1, residues 226-246): WRNFADIDDS[Trp236Leu]KSIKSILDWT

ClinVar aggregate classification (germline): Pathogenic (1 of 4 stars; one submission).

Conditions:
Fabry disease. Also called: ALPHA-GALACTOSIDASE A DEFICIENCY; ANDERSON-FABRY DISEASE; CERAMIDE TRIHEXOSIDASE DEFICIENCY; GLA DEFICIENCY; HEREDITARY DYSTOPIC LIPIDOSIS; Angiokeratoma corporis diffusum. Identifiers: Orphanet 324, MedGen C0002986, MONDO:0010526, OMIM 301500, HP:0001071. Disease mechanism: Fabry disease is due to inactivating mutations in the X-linked GLA gene resulting in deficiency of the enzyme Alpha Galactosidase-A., loss of function.

Submission:

Genomenon, Inc
Classification: Pathogenic for Fabry disease. Last evaluated: 2026-09-08. Review status: criteria provided, single submitter. Criteria: Genomenon Sequence Variant Interpretation Standards - Updated. Collection method: curation. Allele origin: germline. Affected: yes.
Comment: GLA p.Trp236Leu (c.707G>T) is a missense variant that changes the amino acid at codon 236 from Tryptophan to Leucine. This variant has been observed in at least one proband with clinical features consistent with Fabry disease (PMID:20022777;10666480). At least one functional study has demonstrated a substantial alteration in protein function relative to the wild-type (PMID:27657681). This variant is located in a mutational hotspot and/or important functional domain. It is absent or not present at a significant frequency in gnomAD. In silico models predict that this variant is possibly or probably damaging. In conclusion, we classify GLA p.Trp236Leu (c.707G>T) as a pathogenic variant.

Literature cited by the submitters: PubMed 20022777; PubMed 10666480; PubMed 27657681.